The following is an entry in ClinVar:

ClinVar aggregate classification (germline): Uncertain significance (1 of 4 stars; one submission).

Conditions:
Gamma-aminobutyric acid transaminase deficiency (GABATD). Also called: GABA aminotransaminase deficiency; GABA transaminase deficiency; Gamma aminobutyrate transaminase deficiency; 4 alpha aminobutyrate transaminase deficiency. Identifiers: Orphanet 2066, MedGen C0342708, MONDO:0013166, OMIM 613163.

Allele frequency attached by ClinVar (database versions not stated): TOPMed below 0.00001; ExAC 0.00001; gnomAD 0.00001.
gnomAD v4.1: 7 of 1,613,976 alleles (0.00043%); highest among the groups gnomAD compares: Non-Finnish European, 0.00051%; no homozygotes.

Submission:

Labcorp Genetics (formerly Invitae), Labcorp
Classification: Uncertain significance for Gamma-aminobutyric acid transaminase deficiency. Last evaluated: 2025-12-01. Review status: criteria provided, single submitter. Criteria: Invitae Variant Classification Sherloc (09022015). Collection method: clinical testing. Allele origin: germline.
Comment: This sequence change replaces arginine, which is basic and polar, with tryptophan, which is neutral and slightly polar, at codon 281 of the ABAT protein (p.Arg281Trp). This variant is present in population databases (rs755955325, gnomAD 0.0009%). This variant has not been reported in the literature in individuals affected with ABAT-related conditions. ClinVar contains an entry for this variant (Variation ID: 835444). Invitae Evidence Modeling of protein sequence and biophysical properties (such as structural, functional, and spatial information, amino acid conservation, physicochemical variation, residue mobility, and thermodynamic stability) indicates that this missense variant is not expected to disrupt ABAT protein function with a negative predictive value of 80%. In summary, the available evidence is currently insufficient to determine the role of this variant in disease. Therefore, it has been classified as a Variant of Uncertain Significance.

NM_020686.6(ABAT):c.841C>T (p.Arg281Trp)

Gene: ABAT (4-aminobutyrate aminotransferase; plus strand). Cytogenetic location: 16p13.2.
Variant type: single nucleotide variant.
Coding change: c.841C>T on transcript NM_020686.6 (MANE Select); coding-DNA position 841, C replaced by T.
Protein change: p.Arg281Trp; replaces arginine 281 with tryptophan.
Molecular consequence: missense variant. On other transcripts: intron variant (1).
Genome position (GRCh38, 1-based): chr16:8,772,804, C>T. VCF-style: chr16-8772804-C-T. GRCh37 (hg19) VCF-style: chr16-8866661-C-T.
Other names: c.841C>T, p.Arg281Trp (NM_000663.5, NM_001127448.2, NM_001386600.1 and 6 more transcripts); c.778C>T, p.Arg260Trp (NM_001386606.1, NM_001386607.1); c.748C>T, p.Arg250Trp (NM_001386608.1); c.706C>T, p.Arg236Trp (NM_001386610.1, NM_001386611.1); c.643C>T, p.Arg215Trp (NM_001386612.1, NM_001386613.1); c.595C>T, p.Arg199Trp (NM_001386614.1); c.937C>T, p.Arg313Trp (NM_001386615.1); c.817-15C>T (NM_001386605.1); short protein forms R281W, R199W, R215W, R236W, R250W, R260W, R313W.
Identifiers: ClinVar variation 835444 (VCV000835444.10), dbSNP rs755955325, ClinGen allele CA7893332.